The following is an entry in ClinVar:

NM_001235.5(SERPINH1):c.104A>T (p.Lys35Met)

Gene: SERPINH1 (serpin family H member 1; plus strand). Cytogenetic location: 11q13.5.
Variant type: single nucleotide variant.
Coding change: c.104A>T on transcript NM_001235.5 (MANE Select); coding-DNA position 104, A replaced by T.
Protein change: p.Lys35Met; replaces lysine 35 with methionine.
Molecular consequence: missense variant.
Genome position (GRCh38, 1-based): chr11:75,566,453, A>T. VCF-style: chr11-75566453-A-T. GRCh37 (hg19) VCF-style: chr11-75277498-A-T.
Other names: c.104A>T (NM_001235.3); c.104A>T, p.Lys35Met (NM_001207014.3); short protein forms K35M.
Identifiers: ClinVar variation 1898544 (VCV001898544.6), dbSNP rs752546581, ClinGen allele CA6190726.
Genomic context (GRCh38, chr11:75,566,453, plus strand): 5'-CGGCCCTGGCCGCCGAGGTGAAGAAACCTGCAGCCGCAGCAGCTCCTGGCACTGCGGAGA[A>T]GTTGAGCCCCAAGGCGGCCACGCTTGCCGAGCGCAGCGCCGGCCTGGCCTTCAGCTTGTA-3'
Protein context (NP_001226.2, residues 25-45): AAAAAPGTAE[Lys35Met]LSPKAATLAE

ClinVar aggregate classification (germline): Uncertain significance. Review status: criteria provided, multiple submitters, no conflicts (2 of 4 stars). 2 submissions from 2 submitters: Uncertain significance (2). Last evaluated 2024-11-10.

Conditions:
Inborn genetic diseases. Identifiers: MedGen C0950123, MeSH D030342.

Allele frequency attached by ClinVar (database versions not stated): gnomAD exomes 0.00001; ExAC 0.00002; gnomAD 0.00004; TOPMed 0.00004.
gnomAD v4.1: 10 of 1,612,336 alleles (0.00062%); highest among the groups gnomAD compares: African/African-American, 0.013%; no homozygotes.

Submissions (2):

Ambry Genetics
Classification: Uncertain significance for Inborn genetic diseases. Last evaluated: 2024-11-10. Review status: criteria provided, single submitter. Criteria: Ambry Variant Classification Scheme 2023. Collection method: clinical testing. Allele origin: germline.

Labcorp Genetics (formerly Invitae), Labcorp
Classification: Uncertain significance. Last evaluated: 2022-07-18. Review status: criteria provided, single submitter. Criteria: Invitae Variant Classification Sherloc (09022015). Collection method: clinical testing. Allele origin: germline.
Comment: In summary, the available evidence is currently insufficient to determine the role of this variant in disease. Therefore, it has been classified as a Variant of Uncertain Significance. Advanced modeling of protein sequence and biophysical properties (such as structural, functional, and spatial information, amino acid conservation, physicochemical variation, residue mobility, and thermodynamic stability) performed at Invitae indicates that this missense variant is not expected to disrupt SERPINH1 protein function. This variant has not been reported in the literature in individuals affected with SERPINH1-related conditions. This variant is present in population databases (rs752546581, gnomAD 0.01%). This sequence change replaces lysine, which is basic and polar, with methionine, which is neutral and non-polar, at codon 35 of the SERPINH1 protein (p.Lys35Met).